The following is an entry in ClinVar:

ClinVar aggregate classification (germline): Likely pathogenic. Review status: criteria provided, multiple submitters, no conflicts (2 of 4 stars). 3 submissions from 3 submitters: Likely pathogenic (3). Last evaluated 2025-02-11.

Conditions:
Alpha thalassemia-X-linked intellectual disability syndrome (ATRX). Also called: ALPHA-THALASSEMIA/MENTAL RETARDATION SYNDROME, X-LINKED; X-linked alpha-thalassemia-mental retardation syndrome; ATR-X syndrome; Alpha thalassemia mental retardation syndrome, nondeletion type, X-linked; XLMR hypotonic face syndrome; ATR, NONDELETION TYPE. Identifiers: Orphanet 847, MedGen C1845055, MONDO:0010519, OMIM 301040.

Submissions (3):

Natera, Inc.
Classification: Likely pathogenic for X-linked alpha-thalassemia-mental retardation syndrome. Last evaluated: 2025-02-11. Review status: criteria provided, single submitter. Criteria: Natera Variant Classification Schema (03/2026). Collection method: clinical testing. Allele origin: germline.
Comment: The c.729C>G variant in ATRX is a missense variant predicted to cause substitution of cysteine to tryptophan at amino acid 243. This variant is rare in the general population with a frequency below the threshold expected for the associated phenotype(s). This variant is located in a functionally critical region of the protein. Computational prediction algorithms indicate this variant is likely to affect gene or protein function. Given the available evidence, this variant is classified as Likely Pathogenic.

Mendelics
Classification: Likely pathogenic for Alpha thalassemia-X-linked intellectual disability syndrome. Last evaluated: 2019-05-28. Review status: criteria provided, single submitter. Criteria: Mendelics Assertion Criteria 2017. Collection method: clinical testing. Allele origin: unknown.

GeneDx
Classification: Likely pathogenic. Last evaluated: 2016-12-23. Review status: criteria provided, single submitter. Criteria: GeneDx Variant Classification (06012015). Collection method: clinical testing. Allele origin: germline. Affected: yes.
Comment: The C243W variant in the ATRX gene has not been reported previously as a pathogenic variant, nor as a benign variant, to our knowledge. However, missense variants at this same codon (C243R, C243F, C243Y), as well as missense variants in neighboring codons (A238P, F239L, I244N, L245P, R246C/L, N247D, G249C/D) have been reported in association with ATRX-related disorder (Wada et al., 2006; Badens et al., 2006; Stenson et al., 2014). The C243W variant was not observed in approximately 6500 individuals of European and African American ancestry in the NHLBI Exome Sequencing Project, indicating it is not a common benign variant in these populations. The C243W variant is a non-conservative amino acid substitution, which is likely to impact secondary protein structure as these residues differ in polarity, charge, size and/or other properties. This substitution occurs at a position that is conserved across species. In silico analysis predicts this variant is probably damaging to the protein structure/function. The C243W variant is a strong candidate for a pathogenic variant.

NM_000489.6(ATRX):c.729C>G (p.Cys243Trp)

Gene: ATRX (ATRX chromatin remodeler; minus strand). Cytogenetic location: Xq21.1.
Variant type: single nucleotide variant.
Coding change: c.729C>G on transcript NM_000489.6 (MANE Select); coding-DNA position 729, C replaced by G.
Protein change: p.Cys243Trp; replaces cysteine 243 with tryptophan.
Molecular consequence: missense variant.
Genome position (GRCh38, 1-based): chrX:77,684,527, G>C on the plus strand (C>G on the coding strand, the complement: ATRX is on the minus strand). VCF-style: chrX-77684527-G-C. GRCh37 (hg19) VCF-style: chrX-76940019-G-C.
Other names: c.615C>G, p.Cys205Trp (NM_138270.5); c.729C>G (NM_000489.5); short protein forms C243W, C205W.
Identifiers: ClinVar variation 391590 (VCV000391590.5), dbSNP rs1057524153, ClinGen allele CA16608993.